The following is an entry in ClinVar:

ClinVar aggregate classification (germline): Uncertain significance (1 of 4 stars; one submission).

Conditions:
SCLT1-related disorder. Also called: SCLT1-related condition.

gnomAD v4.1: 4 of 1,506,384 alleles (0.00027%); highest among the groups gnomAD compares: Admixed American, 0.005%; no homozygotes.

Submission:

PreventionGenetics, part of Exact Sciences
Classification: Uncertain significance for SCLT1-related condition. Last evaluated: 2025-06-10. Review status: criteria provided, single submitter. Criteria: ACMG Guidelines, 2015. Collection method: clinical testing. Allele origin: germline.
Comment: The SCLT1 c.1151C>A variant is predicted to result in the amino acid substitution p.Ala384Glu. To our knowledge, this variant has not been reported in the literature. This variant is reported in 0.0087% of alleles in individuals of Latino descent in gnomAD. At this time, the clinical significance of this variant is uncertain due to the absence of conclusive functional and genetic evidence.

NM_144643.4(SCLT1):c.1151C>A (p.Ala384Glu)

Gene: SCLT1 (sodium channel and clathrin linker 1; minus strand). Cytogenetic location: 4q28.2.
Variant type: single nucleotide variant.
Coding change: c.1151C>A on transcript NM_144643.4 (MANE Select); coding-DNA position 1151, C replaced by A.
Protein change: p.Ala384Glu; replaces alanine 384 with glutamic acid.
Molecular consequence: missense variant.
Genome position (GRCh38, 1-based): chr4:128,952,836, G>T on the plus strand (C>A on the coding strand, the complement: SCLT1 is on the minus strand). VCF-style: chr4-128952836-G-T. GRCh37 (hg19) VCF-style: chr4-129873991-G-T.
Other names: c.1151C>A, p.Ala384Glu (NM_001410807.1); short protein forms A384E.
Identifiers: ClinVar variation 4986810 (VCV004986810.1).